The following is an entry in ClinVar:

NM_001042492.3(NF1):c.7725_7726del (p.Asp2576fs)

Gene: NF1 (neurofibromin 1; plus strand). Cytogenetic location: 17q11.2.
Variant type: Deletion.
Coding change: c.7725_7726del on transcript NM_001042492.3 (MANE Select); coding-DNA positions 7725 to 7726, 2 bases deleted (TG; older notation c.7725_7726delTG).
Protein change: p.Asp2576fs; shifts the reading frame from aspartic acid 2576.
Molecular consequence: frameshift variant.
Genome position (GRCh38, 1-based): chr17:31,356,569-31,356,570, TG deleted. VCF-style (leftmost placement, unchanged base first): chr17-31356568-CTG-C. GRCh37 (hg19) VCF-style: chr17-29683586-CTG-C.
Other names: c.7662_7663delTG (NM_000267.3); c.7662_7663delTG, p.Asp2555Leufs (NM_000267.4); short protein forms D2576fs, D2555fs.
Identifiers: ClinVar variation 862093 (VCV000862093.7), dbSNP rs2070275502, ClinGen allele CA916080679.
Genomic context (GRCh38, chr17:31,356,568, plus strand): 5'-AAAGGCAAGAAATGGAATCAGGGATCACAACACCCCCCAAAATGAGGAGAGTAGCAGAAA[CTG>C]ATTATGAAATGGGTGAGAAACAAAGTATTGATCTAGATCATTGAAAATAAGGTGGGAGAG-3'

ClinVar aggregate classification (germline): Pathogenic. Review status: criteria provided, multiple submitters, no conflicts (2 of 4 stars). 2 submissions from 2 submitters: Pathogenic (2). Last evaluated 2025-04-10.

Conditions:
Hereditary cancer-predisposing syndrome. Also called: Tumor predisposition; Hereditary Cancer Syndrome; Neoplastic Syndromes, Hereditary; Hereditary neoplastic syndrome. Identifiers: Orphanet 140162, MedGen C0027672, MeSH D009386, MONDO:0015356.
Cardiovascular phenotype. Identifiers: MedGen CN230736.
Neurofibromatosis, type 1 (NF1). Also called: Neurofibromatosis, type I; VON RECKLINGHAUSEN DISEASE; Peripheral type neurofibromatosis; NEUROFIBROMATOSIS, TYPE I, SOMATIC. Identifiers: Orphanet 636, MedGen C0027831, MONDO:0018975, OMIM 162200. Disease mechanism: loss of function.

Submissions (2):

Ambry Genetics
Classification: Pathogenic for Cardiovascular phenotype; Hereditary cancer-predisposing syndrome. Last evaluated: 2025-04-10. Review status: criteria provided, single submitter. Criteria: Ambry Variant Classification Scheme 2023. Collection method: clinical testing. Allele origin: germline.
Comment: The c.7662_7663delTG pathogenic mutation, located in coding exon 51 of the NF1 gene, results from a deletion of two nucleotides at nucleotide positions 7662 to 7663, causing a translational frameshift with a predicted alternate stop codon (p.D2555Lfs*2). This variant is considered to be rare based on population cohorts in the Genome Aggregation Database (gnomAD). This alteration is expected to result in loss of function by premature protein truncation or nonsense-mediated mRNA decay. As such, this alteration is interpreted as a disease-causing mutation.

Labcorp Genetics (formerly Invitae), Labcorp
Classification: Pathogenic for Neurofibromatosis, type 1. Last evaluated: 2019-02-04. Review status: criteria provided, single submitter. Criteria: Invitae Variant Classification Sherloc (09022015). Collection method: clinical testing. Allele origin: germline.
Comment: This variant is not present in population databases (ExAC no frequency). This sequence change creates a premature translational stop signal (p.Asp2555Leufs*2) in the NF1 gene. It is expected to result in an absent or disrupted protein product. This variant has been reported in individuals in the Leiden Open-source Variation Database (PMID: 21520333). For these reasons, this variant has been classified as Pathogenic. Loss-of-function variants in NF1 are known to be pathogenic (PMID: 10712197, 23913538).

Literature cited by the submitters: PubMed 21520333 (cited by Labcorp Genetics (formerly Invitae), Labcorp); PubMed 10712197 (cited by Labcorp Genetics (formerly Invitae), Labcorp); PubMed 23913538 (cited by Labcorp Genetics (formerly Invitae), Labcorp).